The following is an entry in ClinVar:

NM_004320.6(ATP2A1):c.1561G>A (p.Val521Ile)

Gene: ATP2A1 (ATPase sarcoplasmic/endoplasmic reticulum Ca2+ transporting 1; plus strand). Cytogenetic location: 16p11.2.
Variant type: single nucleotide variant.
Coding change: c.1561G>A on transcript NM_004320.6 (MANE Select); coding-DNA position 1561, G replaced by A.
Protein change: p.Val521Ile; replaces valine 521 with isoleucine.
Molecular consequence: missense variant.
Genome position (GRCh38, 1-based): chr16:28,898,248, G>A. VCF-style: chr16-28898248-G-A. GRCh37 (hg19) VCF-style: chr16-28909569-G-A.
Other names: c.1186G>A, p.Val396Ile (NM_001286075.2); c.1561G>A, p.Val521Ile (NM_173201.5); c.1561G>A (NM_173201.4); short protein forms V521I, V396I.
Identifiers: ClinVar variation 423726 (VCV000423726.10), dbSNP rs200092983, ClinGen allele CA7987021.

ClinVar aggregate classification (germline): Uncertain significance. Review status: criteria provided, multiple submitters, no conflicts (2 of 4 stars). 4 submissions from 4 submitters: Uncertain significance (4). Last evaluated 2025-11-26.

Conditions:
Inborn genetic diseases. Identifiers: MedGen C0950123, MeSH D030342.
Brody myopathy. Also called: BRODY DISEASE. Identifiers: Orphanet 53347, MedGen C1832918, MONDO:0010977, OMIM 601003.

Allele frequency attached by ClinVar (database versions not stated): ExAC 0.00007; gnomAD exomes 0.00007 and 0.00019; gnomAD 0.00011; TOPMed 0.00011.
gnomAD v4.1: 307 of 1,614,130 alleles (0.019%); highest among the groups gnomAD compares: Non-Finnish European, 0.022%; 1 homozygote.

Submissions (4):

Ambry Genetics
Classification: Uncertain significance for Inborn genetic diseases. Last evaluated: 2025-11-26. Review status: criteria provided, single submitter. Criteria: Ambry Variant Classification Scheme 2023. Collection method: clinical testing. Allele origin: germline.

Revvity Omics, Revvity
Classification: Uncertain significance for Brody myopathy. Last evaluated: 2022-08-23. Review status: criteria provided, single submitter. Criteria: ACMG Guidelines, 2015. Collection method: clinical testing. Allele origin: germline.

Labcorp Genetics (formerly Invitae), Labcorp
Classification: Uncertain significance for Brody myopathy. Last evaluated: 2022-07-30. Review status: criteria provided, single submitter. Criteria: Invitae Variant Classification Sherloc (09022015). Collection method: clinical testing. Allele origin: germline.
Comment: This sequence change replaces valine, which is neutral and non-polar, with isoleucine, which is neutral and non-polar, at codon 521 of the ATP2A1 protein (p.Val521Ile). This variant is present in population databases (rs200092983, gnomAD 0.01%). This variant has not been reported in the literature in individuals affected with ATP2A1-related conditions. ClinVar contains an entry for this variant (Variation ID: 423726). Algorithms developed to predict the effect of missense changes on protein structure and function are either unavailable or do not agree on the potential impact of this missense change (SIFT: "Deleterious"; PolyPhen-2: "Benign"; Align-GVGD: "Class C0"). In summary, the available evidence is currently insufficient to determine the role of this variant in disease. Therefore, it has been classified as a Variant of Uncertain Significance.

GeneDx
Classification: Uncertain significance. Last evaluated: 2017-02-27. Review status: criteria provided, single submitter. Criteria: GeneDx Variant Classification (06012015). Collection method: clinical testing. Allele origin: germline. Affected: yes.
Comment: A variant of uncertain significance has been identified in the ATP2A1 gene. The V521I variant has not been published as a pathogenic variant, nor has it been reported as a benign variant to our knowledge. The V521I variant is observed in 2/8646 (0.02%) alleles from individuals of East Asian background in large population cohorts (Lek et al., 2016; 1000 Genomes Consortium et al., 2015; Exome Variant Server). The V521I variant is a conservative amino acid substitution, which is not likely to impact secondary protein structure as these residues share similar properties. However, this substitution occurs at a position that is conserved across species. In silico analysis is inconsistent in its predictions as to whether or not the variant is damaging to the protein structure/function. Therefore, based on the currently available information, it is unclear whether this variant is a pathogenic variant or a rare benign variant.